The following is an entry in ClinVar:

NM_018062.4(FANCL):c.578C>T (p.Ala193Val)

Gene: FANCL (FA complementation group L; minus strand). Cytogenetic location: 2p16.1.
Variant type: single nucleotide variant.
Coding change: c.578C>T on transcript NM_018062.4 (MANE Select); coding-DNA position 578, C replaced by T.
Protein change: p.Ala193Val; replaces alanine 193 with valine.
Molecular consequence: missense variant.
Genome position (GRCh38, 1-based): chr2:58,165,837, G>A on the plus strand (C>T on the coding strand, the complement: FANCL is on the minus strand). VCF-style: chr2-58165837-G-A. GRCh37 (hg19) VCF-style: chr2-58392972-G-A.
Other names: c.593C>T, p.Ala198Val (NM_001114636.2); c.623C>T, p.Ala208Val (NM_001374615.1); c.638C>T, p.Ala213Val (NM_001410792.1); short protein forms A198V, A208V, A193V, A213V.
Identifiers: ClinVar variation 1492737 (VCV001492737.8), dbSNP rs2104818267, ClinGen allele CA346937796.

ClinVar aggregate classification (germline): Uncertain significance (1 of 4 stars; one submission).

Conditions:
Fanconi anemia (FA). Also called: Fanconi's anemia. Identifiers: Orphanet 84, MedGen C0015625, MeSH D005199, MONDO:0019391.

Submission:

Labcorp Genetics (formerly Invitae), Labcorp
Classification: Uncertain significance for Fanconi anemia. Last evaluated: 2020-12-10. Review status: criteria provided, single submitter. Criteria: Invitae Variant Classification Sherloc (09022015). Collection method: clinical testing. Allele origin: germline.
Comment: In summary, the available evidence is currently insufficient to determine the role of this variant in disease. Therefore, it has been classified as a Variant of Uncertain Significance. Algorithms developed to predict the effect of missense changes on protein structure and function are either unavailable or do not agree on the potential impact of this missense change (SIFT: "Tolerated"; PolyPhen-2: "Probably Damaging"; Align-GVGD: "Class C0"). This variant has not been reported in the literature in individuals with FANCL-related conditions. This variant is not present in population databases (ExAC no frequency). This sequence change replaces alanine with valine at codon 193 of the FANCL protein (p.Ala193Val). The alanine residue is moderately conserved and there is a small physicochemical difference between alanine and valine.